The following is an entry in ClinVar:

NM_006204.4(PDE6C):c.664A>T (p.Ile222Phe)

Gene: PDE6C (phosphodiesterase 6C; plus strand). Cytogenetic location: 10q23.33.
Variant type: single nucleotide variant.
Coding change: c.664A>T on transcript NM_006204.4 (MANE Select); coding-DNA position 664, A replaced by T.
Protein change: p.Ile222Phe; replaces isoleucine 222 with phenylalanine.
Molecular consequence: missense variant.
Genome position (GRCh38, 1-based): chr10:93,620,921, A>T. VCF-style: chr10-93620921-A-T. GRCh37 (hg19) VCF-style: chr10-95380678-A-T.
Other names: short protein forms I222F.
Identifiers: ClinVar variation 2094353 (VCV002094353.4), dbSNP rs1336988861, ClinGen allele CA377627233.

ClinVar aggregate classification (germline): Uncertain significance (1 of 4 stars; one submission).

gnomAD v4.1: 3 of 1,614,092 alleles (0.00019%); highest among the groups gnomAD compares: Non-Finnish European, 0.00025%; no homozygotes.

Submission:

Labcorp Genetics (formerly Invitae), Labcorp
Classification: Uncertain significance. Last evaluated: 2023-08-17. Review status: criteria provided, single submitter. Criteria: Invitae Variant Classification Sherloc (09022015). Collection method: clinical testing. Allele origin: germline.
Comment: In summary, the available evidence is currently insufficient to determine the role of this variant in disease. Therefore, it has been classified as a Variant of Uncertain Significance. Advanced modeling of protein sequence and biophysical properties (such as structural, functional, and spatial information, amino acid conservation, physicochemical variation, residue mobility, and thermodynamic stability) performed at Invitae indicates that this missense variant is not expected to disrupt PDE6C protein function. ClinVar contains an entry for this variant (Variation ID: 2094353). This variant has not been reported in the literature in individuals affected with PDE6C-related conditions. This variant is not present in population databases (gnomAD no frequency). This sequence change replaces isoleucine, which is neutral and non-polar, with phenylalanine, which is neutral and non-polar, at codon 222 of the PDE6C protein (p.Ile222Phe). Algorithms developed to predict the effect of sequence changes on RNA splicing suggest that this variant may create or strengthen a splice site.